The following is an entry in ClinVar:

ClinVar aggregate classification (germline): Pathogenic (1 of 4 stars; one submission).

Submissions (2):

GeneDx
Classification: Pathogenic. Last evaluated: 2017-01-12. Review status: criteria provided, single submitter. Criteria: GeneDx Variant Classification (06012015). Collection method: clinical testing. Allele origin: germline. Affected: yes.
Comment: The c.2487-2A>G variant in the CHD8 gene has not been reported previously as a pathogenic variant nor as a benign variant, to our knowledge. This splice site variant destroys the canonical splice acceptor site in intron 11. It is predicted to cause abnormal gene splicing, either leading to an abnormal message that is subject to nonsense-mediated mRNA decay, or to an abnormal protein product if the message is used for protein translation. The c.2487-2A>G variant was not observed in approximately 6000 individuals of European and African American ancestry in the NHLBI Exome Sequencing Project, indicating it is not a common benign variant in these populations. We interpret c.2487-2A>G as a pathogenic variant.

Dr. Peter K. Rogan Lab, Western University
No classification provided (evidence only). Condition: Glioma susceptibility 1. Review status: no classification provided. Collection method: in vitro. Allele origin: not applicable. Functional consequence: retained intron. Not counted in ClinVar's aggregate classification.

NM_001170629.2(CHD8):c.2487-2A>G

Gene: CHD8 (chromodomain helicase DNA binding protein 8; minus strand). Cytogenetic location: 14q11.2.
Variant type: single nucleotide variant.
Coding change: c.2487-2A>G on transcript NM_001170629.2 (MANE Select); the canonical splice acceptor site of the intron before coding-DNA position 2487, A replaced by G.
Molecular consequence: splice acceptor variant.
Genome position (GRCh38, 1-based): chr14:21,408,557, T>C on the plus strand (A>G on the coding strand, the complement: CHD8 is on the minus strand). VCF-style: chr14-21408557-T-C. GRCh37 (hg19) VCF-style: chr14-21876716-T-C.
Other names: NC_000014.8:g.21876716T>C; c.1650-2A>G (NM_020920.4).
Identifiers: ClinVar variation 392056 (VCV000392056.3), dbSNP rs1057524339, ClinGen allele CA16606934.
Genomic context (GRCh38, chr14:21,408,557, plus strand): 5'-AGGCAATGGACTGAATAGTTTTGCCCAATCCCATCTCATCAGCCAGGATGCAGTTCTGCC[T>C]GCAGATTCACCATGGGAAAAAAAAAATGTTAAAAGATACTATCTTTAAAAAAAATAGAGT-3'